The following is an entry in ClinVar:

ClinVar aggregate classification (germline): Benign (1 of 4 stars; one submission).

gnomAD v4.1: 1,564 of 1,613,378 alleles (0.097%); highest among the groups gnomAD compares: African/African-American, 1.4%; 13 homozygotes.

Submission:

CeGaT Center for Human Genetics Tuebingen
Classification: Benign. Last evaluated: 2026-08-01. Review status: criteria provided, single submitter. Criteria: CeGaT Center For Human Genetics Tuebingen Variant Classification Criteria Version 2. Collection method: clinical testing. Allele origin: germline. Affected: yes. Observed: 2 variant alleles.
Comment: SVIL: BP4, BP7, BS1, BS2

NM_021738.3(SVIL):c.6054T>C (p.Phe2018=)

Genes: SVIL (supervillin; minus strand), SVIL-AS1 (SVIL antisense RNA 1; plus strand). Cytogenetic location: 10p11.23.
Variant type: single nucleotide variant.
Coding change: c.6054T>C on transcript NM_021738.3 (MANE Select); coding-DNA position 6054, T replaced by C.
Protein change: p.Phe2018=; no amino-acid change (phenylalanine 2018 retained).
Molecular consequence: synonymous variant.
Genome position (GRCh38, 1-based): chr10:29,465,674, A>G on the plus strand (T>C on the coding strand, the complement: SVIL is on the minus strand). VCF-style: chr10-29465674-A-G. GRCh37 (hg19) VCF-style: chr10-29754603-A-G.
Other names: c.5124T>C, p.Phe1708= (NM_001323599.2); c.4872T>C, p.Phe1624= (NM_001323600.1); c.4776T>C, p.Phe1592= (NM_003174.3).
Identifiers: ClinVar variation 5038725 (VCV005038725.1).
Genomic context (GRCh38, chr10:29,465,674, plus strand): 5'-CAGATCTTCCTGCAGGAAGGGCATGGAACTGACCACAGAGGGGGCTCGGGCAGGGTACAC[A>G]AACTCTGTGGCTGCAAAATCCCCAGAGGAGCTGCTGAGGATGAACAGGCGGGGCGCGAAG-3'
Protein context (NP_068506.2, residues 2008-2028): SSSGDFAATE[Phe2018=]VYPARAPSVV